The following is an entry in ClinVar:

ClinVar aggregate classification (germline): Pathogenic/Likely pathogenic. Review status: criteria provided, multiple submitters, no conflicts (2 of 4 stars). 4 submissions from 4 submitters: Pathogenic (1); Likely pathogenic (2). 1 of the submissions does not count toward it. Last evaluated 2024-05-07.

Conditions:
Peroxisome biogenesis disorder type 3B. Identifiers: Orphanet 44, Orphanet 772, MedGen C3550693, MONDO:0009959, OMIM 266510.
Peroxisome biogenesis disorder 3A (Zellweger). Also called: PEROXISOMAL BIOGENESIS DISORDER 3A (ZELLWEGER); Peroxisome biogenesis disorder 3A. Identifiers: Orphanet 912, MedGen C3553929, MONDO:0013927, OMIM 614859.

Allele frequency attached by ClinVar (database versions not stated): gnomAD exomes below 0.00001; ExAC 0.00001.

Submissions (4):

Fulgent Genetics
Classification: Likely pathogenic for Peroxisome biogenesis disorder type 3B; Peroxisome biogenesis disorder 3A (Zellweger). Last evaluated: 2024-05-07. Review status: criteria provided, single submitter. Criteria: ACMG Guidelines, 2015. Collection method: clinical testing. Allele origin: germline.

Department of Pathology and Laboratory Medicine, Sinai Health System
Classification: Likely pathogenic for Peroxisome biogenesis disorder type 3B; Peroxisome biogenesis disorder 3A (Zellweger). Last evaluated: 2023-09-29. Review status: criteria provided, single submitter. Criteria: ACMG Guidelines, 2015. Collection method: research. Allele origin: germline.

Labcorp Genetics (formerly Invitae), Labcorp
Classification: Pathogenic for Peroxisome biogenesis disorder 3A (Zellweger). Last evaluated: 2021-06-28. Review status: criteria provided, single submitter. Criteria: Invitae Variant Classification Sherloc (09022015). Collection method: clinical testing. Allele origin: germline.
Comment: This variant has not been reported in the literature in individuals affected with PEX12-related conditions. This sequence change creates a premature translational stop signal (p.Tyr74*) in the PEX12 gene. It is expected to result in an absent or disrupted protein product. Loss-of-function variants in PEX12 are known to be pathogenic (PMID: 9090384, 9632816, 21031596). This variant is present in population databases (rs765404768, ExAC 0.002%). ClinVar contains an entry for this variant (Variation ID: 554388). For these reasons, this variant has been classified as Pathogenic.

Counsyl
Classification: Likely pathogenic for Peroxisome biogenesis disorder type 3B; Peroxisome biogenesis disorder 3A (Zellweger). Last evaluated: 2017-10-17. Review status: no assertion criteria provided. Collection method: clinical testing. Allele origin: unknown. Not counted in ClinVar's aggregate classification.

Literature cited by the submitters: PubMed 9090384 (cited by Labcorp Genetics (formerly Invitae), Labcorp); PubMed 9632816 (cited by Labcorp Genetics (formerly Invitae), Labcorp); PubMed 21031596 (cited by Labcorp Genetics (formerly Invitae), Labcorp).

NM_000286.3(PEX12):c.222T>A (p.Tyr74Ter)

Gene: PEX12 (peroxisomal biogenesis factor 12; minus strand). Cytogenetic location: 17q12.
Variant type: single nucleotide variant.
Coding change: c.222T>A on transcript NM_000286.3 (MANE Select); coding-DNA position 222, T replaced by A.
Protein change: p.Tyr74Ter; replaces tyrosine 74 with a stop codon.
Molecular consequence: nonsense.
Genome position (GRCh38, 1-based): chr17:35,577,496, A>T on the plus strand (T>A on the coding strand, the complement: PEX12 is on the minus strand). VCF-style: chr17-35577496-A-T. GRCh37 (hg19) VCF-style: chr17-33904515-A-T.
Other names: short protein forms Y74*.
Identifiers: ClinVar variation 554388 (VCV000554388.10), dbSNP rs765404768, ClinGen allele CA8504943.